The following is an entry in ClinVar:

NM_000059.4(BRCA2):c.5871A>G (p.Ile1957Met)

Gene: BRCA2 (BRCA2 DNA repair associated; plus strand). Cytogenetic location: 13q13.1.
Variant type: single nucleotide variant.
Coding change: c.5871A>G on transcript NM_000059.4 (MANE Select); coding-DNA position 5871, A replaced by G.
Protein change: p.Ile1957Met; replaces isoleucine 1957 with methionine.
Molecular consequence: missense variant.
Genome position (GRCh38, 1-based): chr13:32,340,226, A>G. VCF-style: chr13-32340226-A-G. GRCh37 (hg19) VCF-style: chr13-32914363-A-G.
Other names: short protein forms I1957M.
Identifiers: ClinVar variation 579567 (VCV000579567.15), dbSNP rs1566233369, ClinGen allele CA387787436.

ClinVar aggregate classification (germline): Conflicting classifications of pathogenicity. Review status: criteria provided, conflicting classifications (1 of 4 stars). 4 submissions from 4 submitters: Uncertain significance (3); Likely benign (1). Last evaluated 2024-07-20.

Conditions:
BRCA2-related cancer predisposition. Identifiers: MedGen CN377758, MONDO:0700269.
Hereditary breast ovarian cancer syndrome. Also called: Hereditary breast and ovarian cancer syndrome; Hereditary breast and ovarian cancer syndrome (HBOC); BRCA1- and BRCA2-Associated Hereditary Breast and Ovarian Cancer; Hereditary breast and/or ovarian cancer syndrome; Hereditary breast and ovarian cancer; Breast and ovarian cancer. Identifiers: Orphanet 145, MedGen C0677776, MeSH D061325, MONDO:0003582. Disease mechanism: loss of function.
Hereditary cancer-predisposing syndrome. Also called: Neoplastic Syndromes, Hereditary; Tumor predisposition; Hereditary neoplastic syndrome; Hereditary Cancer Syndrome. Identifiers: Orphanet 140162, MedGen C0027672, MeSH D009386, MONDO:0015356.

Submissions (4):

All of Us Research Program, National Institutes of Health
Classification: Uncertain significance for BRCA2-related cancer predisposition. Last evaluated: 2024-07-20. Review status: criteria provided, single submitter. Criteria: ACMG Guidelines, 2015. Collection method: clinical testing. Allele origin: germline. Inheritance: Autosomal dominant inheritance. Observed: 1 variant allele, 1 heterozygote.
Comment: This missense variant replaces isoleucine with methionine at codon 1957 of the BRCA2 protein. Computational prediction suggests that this variant may not impact protein structure and function. To our knowledge, functional studies have not been reported for this variant. This variant has not been reported in individuals affected with BRCA2-related disorders in the literature. This variant has not been identified in the general population by the Genome Aggregation Database (gnomAD). The available evidence is insufficient to determine the role of this variant in disease conclusively. Therefore, this variant is classified as a Variant of Uncertain Significance.

This study involves interpretation of variants in research participants for the purpose of population health screening. Participant phenotype was not available at the time of variant classification. Additional details can be found in publication PMID: 35346344, PMCID: PMC8962531

University of Washington Department of Laboratory Medicine, University of Washington
Classification: Likely benign for Hereditary cancer-predisposing syndrome. Last evaluated: 2023-03-23. Review status: criteria provided, single submitter. Criteria: Dines et al. (Genet Med. 2020). Collection method: curation. Allele origin: germline.
Comment: Missense variant in a coldspot region where missense variants are very unlikely to be pathogenic (PMID:31911673).

BRCA2 exon 11 coldspot. Reclassification based on statistical prior probability.

Ambry Genetics
Classification: Uncertain significance for Hereditary cancer-predisposing syndrome. Last evaluated: 2022-05-13. Review status: criteria provided, single submitter. Criteria: Ambry Variant Classification Scheme 2023. Collection method: clinical testing. Allele origin: germline.
Comment: The p.I1957M variant (also known as c.5871A>G), located in coding exon 10 of the BRCA2 gene, results from an A to G substitution at nucleotide position 5871. The isoleucine at codon 1957 is replaced by methionine, an amino acid with highly similar properties. This amino acid position is not well conserved in available vertebrate species. In addition, this alteration is predicted to be tolerated by in silico analysis. Since supporting evidence is limited at this time, the clinical significance of this alteration remains unclear.

Labcorp Genetics (formerly Invitae), Labcorp
Classification: Uncertain significance for Hereditary breast ovarian cancer syndrome. Last evaluated: 2019-12-30. Review status: criteria provided, single submitter. Criteria: Invitae Variant Classification Sherloc (09022015). Collection method: clinical testing. Allele origin: germline.
Comment: In summary, the available evidence is currently insufficient to determine the role of this variant in disease. Therefore, it has been classified as a Variant of Uncertain Significance. Algorithms developed to predict the effect of missense changes on protein structure and function output the following: SIFT: "Tolerated"; PolyPhen-2: "Benign"; Align-GVGD: "Class C0". The methionine amino acid residue is found in multiple mammalian species, suggesting that this missense change does not adversely affect protein function. These predictions have not been confirmed by published functional studies and their clinical significance is uncertain. This variant has not been reported in the literature in individuals with BRCA2-related disease. This variant is not present in population databases (ExAC no frequency). This sequence change replaces isoleucine with methionine at codon 1957 of the BRCA2 protein (p.Ile1957Met). The isoleucine residue is weakly conserved and there is a small physicochemical difference between isoleucine and methionine.